The following is an entry in ClinVar:

NM_020366.4(RPGRIP1):c.3044G>A (p.Gly1015Glu)

Gene: RPGRIP1 (RPGR interacting protein 1; plus strand). Cytogenetic location: 14q11.2.
Variant type: single nucleotide variant.
Coding change: c.3044G>A on transcript NM_020366.4 (MANE Select); coding-DNA position 3044, G replaced by A.
Protein change: p.Gly1015Glu; replaces glycine 1015 with glutamic acid.
Molecular consequence: missense variant.
Genome position (GRCh38, 1-based): chr14:21,328,572, G>A. VCF-style: chr14-21328572-G-A. GRCh37 (hg19) VCF-style: chr14-21796731-G-A.
Other names: c.1022G>A, p.Gly341Glu (NM_001377523.1, NM_001377950.1); c.1970G>A, p.Gly657Glu (NM_001377948.1); c.1130G>A, p.Gly377Glu (NM_001377949.1); c.524G>A, p.Gly175Glu (NM_001377951.1); short protein forms G377E, G657E, G1015E, G175E, G341E.
Identifiers: ClinVar variation 2050773 (VCV002050773.4), dbSNP rs1883362084, ClinGen allele CA388871928.

ClinVar aggregate classification (germline): Uncertain significance (1 of 4 stars; one submission).

Conditions:
Cone-rod dystrophy 13 (CORD13). Identifiers: Orphanet 1872, MedGen C2750720, MONDO:0011987, OMIM 608194.
Leber congenital amaurosis 6 (LCA6). Identifiers: Orphanet 65, MedGen C1854260, MONDO:0013446, OMIM 613826.

Allele frequency attached by ClinVar (database versions not stated): TOPMed below 0.00001; gnomAD exomes 0.00001.
gnomAD v4.1: 3 of 1,613,754 alleles (0.00019%); highest among the groups gnomAD compares: Non-Finnish European, 0.00025%; no homozygotes.

Submission:

Labcorp Genetics (formerly Invitae), Labcorp
Classification: Uncertain significance for Leber congenital amaurosis 6; Cone-rod dystrophy 13. Last evaluated: 2022-07-26. Review status: criteria provided, single submitter. Criteria: Invitae Variant Classification Sherloc (09022015). Collection method: clinical testing. Allele origin: germline.
Comment: This sequence change replaces glycine, which is neutral and non-polar, with glutamic acid, which is acidic and polar, at codon 1015 of the RPGRIP1 protein (p.Gly1015Glu). In summary, the available evidence is currently insufficient to determine the role of this variant in disease. Therefore, it has been classified as a Variant of Uncertain Significance. Algorithms developed to predict the effect of missense changes on protein structure and function are either unavailable or do not agree on the potential impact of this missense change (SIFT: "Tolerated"; PolyPhen-2: "Probably Damaging"; Align-GVGD: "Class C0"). This variant has not been reported in the literature in individuals affected with RPGRIP1-related conditions. This variant is not present in population databases (gnomAD no frequency).